The following is an entry in ClinVar:

ClinVar aggregate classification (germline): Uncertain significance (1 of 4 stars; one submission).

Submission:

GeneDx
Classification: Uncertain significance. Last evaluated: 2022-08-23. Review status: criteria provided, single submitter. Criteria: GeneDx Variant Classification Process June 2021. Collection method: clinical testing. Allele origin: germline. Affected: yes.
Comment: Not observed at significant frequency in large population cohorts (gnomAD); In silico analysis supports a deleterious effect on protein structure/function; Has not been previously published as pathogenic or benign to our knowledge; Variants in candidate genes are classified as variants of uncertain significance in accordance with ACMG guidelines (Richards et al., 2015)

NM_003458.4(BSN):c.9709_9710delinsGA (p.Ile3237Asp)

Gene: BSN (bassoon presynaptic cytomatrix protein; plus strand). Cytogenetic location: 3p21.31.
Variant type: Indel.
Coding change: c.9709_9710delinsGA on transcript NM_003458.4 (MANE Select); coding-DNA positions 9709 to 9710, AT replaced by GA.
Protein change: p.Ile3237Asp; replaces isoleucine 3237 with aspartic acid.
Molecular consequence: missense variant.
Genome position (GRCh38, 1-based): chr3:49,661,554-49,661,555, AT replaced by GA. VCF-style: chr3-49661554-AT-GA. GRCh37 (hg19) VCF-style: chr3-49698987-AT-GA.
Other names: short protein forms I3237D.
Identifiers: ClinVar variation 3900273 (VCV003900273.1).